The following is an entry in ClinVar:

NM_002016.2(FLG):c.4597G>T (p.Gly1533Trp)

Genes: FLG (filaggrin; minus strand), CCDST (cervical cancer associated DHX9 suppressive transcript; plus strand). Cytogenetic location: 1q21.3.
Variant type: single nucleotide variant.
Coding change: c.4597G>T on transcript NM_002016.2 (MANE Select); coding-DNA position 4597, G replaced by T.
Protein change: p.Gly1533Trp; replaces glycine 1533 with tryptophan.
Molecular consequence: missense variant.
Genome position (GRCh38, 1-based): chr1:152,310,289, C>A on the plus strand (G>T on the coding strand, the complement: FLG is on the minus strand). VCF-style: chr1-152310289-C-A. GRCh37 (hg19) VCF-style: chr1-152282765-C-A.
Other names: short protein forms G1533W.
Identifiers: ClinVar variation 1032022 (VCV001032022.1), dbSNP rs200422428, ClinGen allele CA1106153.

ClinVar aggregate classification (germline): Uncertain significance (1 of 4 stars; one submission).

Conditions:
Ichthyosis vulgaris. Also called: ICHTHYOSIS SIMPLEX; Dominant ichthyosis vulgaris. Identifiers: MedGen C0079584, MONDO:0024304, OMIM 146700.

Allele frequency attached by ClinVar (database versions not stated): TOPMed 0.00005.
gnomAD v4.1: 9 of 1,613,774 alleles (0.00056%); highest among the groups gnomAD compares: Admixed American, 0.015%; no homozygotes.

Submission:

Baylor Genetics
Classification: Uncertain significance for Ichthyosis vulgaris. Last evaluated: 2018-11-23. Review status: criteria provided, single submitter. Criteria: ACMG Guidelines, 2015. Collection method: clinical testing. Allele origin: unknown. Affected: yes.
Comment: This variant was determined to be of uncertain significance according to ACMG Guidelines, 2015 [PMID:25741868].